The following is an entry in ClinVar:

ClinVar aggregate classification (germline): Benign (1 of 4 stars; one submission).

Allele frequency attached by ClinVar (database versions not stated): 1000 Genomes Project 30x 0.22142; 1000 Genomes Project 0.22843; TOPMed 0.23844; gnomAD 0.25450 and 0.25452; gnomAD exomes 0.29311.
gnomAD v4.1: 97,484 of 352,298 alleles (28%); highest among the groups gnomAD compares: East Asian, 46%; 15,527 homozygotes.

Submission:

GeneDx
Classification: Benign. Last evaluated: 2018-06-19. Review status: criteria provided, single submitter. Criteria: GeneDx Variant Classification (06012015). Collection method: clinical testing. Allele origin: germline. Affected: yes.
Comment: This variant is considered likely benign or benign based on one or more of the following criteria: it is a conservative change, it occurs at a poorly conserved position in the protein, it is predicted to be benign by multiple in silico algorithms, and/or has population frequency not consistent with disease.

NM_000098.3(CPT2):c.153-283T>C

Gene: CPT2 (carnitine palmitoyltransferase 2; plus strand). Cytogenetic location: 1p32.3.
Variant type: single nucleotide variant.
Coding change: c.153-283T>C on transcript NM_000098.3 (MANE Select); 283 bases into the intron before coding-DNA position 153, T replaced by C.
Molecular consequence: intron variant.
Genome position (GRCh38, 1-based): chr1:53,200,436, T>C. VCF-style: chr1-53200436-T-C. GRCh37 (hg19) VCF-style: chr1-53666108-T-C.
Other names: c.153-283T>C (NM_001330589.2).
Identifiers: ClinVar variation 683619 (VCV000683619.1), dbSNP rs12754957, ClinGen allele CA22629160.
Genomic context (GRCh38, chr1:53,200,436, plus strand): 5'-TAAATCAGGGCCAATACAGTGTTAGCACAGGTGTTATCATTGTGACCAGAAAACAGGAAT[T>C]CTTGGGGCAGCTTCTGCTTCCCCATTTTGAATCTATTATTGTTATTTAAAATAATTATAT-3'